The following is an entry in ClinVar:

NM_181552.4(CUX1):c.4181G>A (p.Gly1394Asp)

Gene: CUX1 (cut like homeobox 1; plus strand). Cytogenetic location: 7q22.1.
Variant type: single nucleotide variant.
Coding change: c.4181G>A on transcript NM_181552.4 (MANE Select); coding-DNA position 4181, G replaced by A.
Protein change: p.Gly1394Asp; replaces glycine 1394 with aspartic acid.
Molecular consequence: missense variant. On other transcripts: intron variant (5).
Genome position (GRCh38, 1-based): chr7:102,248,705, G>A. VCF-style: chr7-102248705-G-A. GRCh37 (hg19) VCF-style: chr7-101891985-G-A.
Other names: c.4214G>A, p.Gly1405Asp (NM_001202543.2); c.1256-24661G>A (NM_001913.5); c.1250-24661G>A (NM_181500.4); c.1118-24661G>A (NM_001202545.3); c.1208-24661G>A (NM_001202544.3); c.1139-24661G>A (NM_001202546.3); c.4214G>A (NM_001202543.1); short protein forms G1394D, G1405D.
Identifiers: ClinVar variation 1701530 (VCV001701530.34), dbSNP rs1346551173, ClinGen allele CA368669193.
Genomic context (GRCh38, chr7:102,248,705, plus strand): 5'-AGCCGCCGCCCTCGGGGACCCCGGGCCCGGACGACGCCCGCGACGACGACCACGAGGGAG[G>A]CCCCGTGGAAGGCCCGGGGCCCCTGCCCAGCCCCGCCTCCGCGACCGCCACCGCCGCGCC-3'
Protein context (NP_853530.2, residues 1384-1404): DDARDDDHEG[Gly1394Asp]PVEGPGPLPS

ClinVar aggregate classification (germline): Conflicting classifications of pathogenicity. Review status: criteria provided, conflicting classifications (1 of 4 stars). 2 submissions from 2 submitters: Uncertain significance (1); Likely benign (1). Last evaluated 2022-07-13.

Conditions:
Inborn genetic diseases. Identifiers: MedGen C0950123, MeSH D030342.

Allele frequency attached by ClinVar (database versions not stated): gnomAD exomes 0.00012; gnomAD 0.00016 and 0.00017; TOPMed 0.00017; 1000 Genomes Project 30x 0.00031.
gnomAD v4.1: 329 of 1,235,564 alleles (0.027%); highest among the groups gnomAD compares: Non-Finnish European, 0.031%; no homozygotes.

Submissions (2):

Ambry Genetics
Classification: Uncertain significance for Inborn genetic diseases. Last evaluated: 2022-07-13. Review status: criteria provided, single submitter. Criteria: Ambry Variant Classification Scheme 2023. Collection method: clinical testing. Allele origin: germline.

CeGaT Center for Human Genetics Tuebingen
Classification: Likely benign. Last evaluated: 2022-07-01. Review status: criteria provided, single submitter. Criteria: CeGaT Center For Human Genetics Tuebingen Variant Classification Criteria Version 2. Collection method: clinical testing. Allele origin: germline. Affected: yes. Observed: 1 variant allele.
Comment: CUX1: BP1